The following is an entry in ClinVar:

NM_000038.6(APC):c.7938A>G (p.Gln2646=)

Gene: APC (APC regulator of Wnt signaling pathway; plus strand). Cytogenetic location: 5q22.2.
Variant type: single nucleotide variant.
Coding change: c.7938A>G on transcript NM_000038.6 (MANE Select); coding-DNA position 7938, A replaced by G.
Protein change: p.Gln2646=; no amino-acid change (glutamine 2646 retained).
Molecular consequence: synonymous variant. On other transcripts: non-coding transcript variant (2).
Genome position (GRCh38, 1-based): chr5:112,843,532, A>G. VCF-style: chr5-112843532-A-G. GRCh37 (hg19) VCF-style: chr5-112179229-A-G.
Other names: c.7938A>G (NM_000038.5); c.7938A>G, p.Gln2646= (NM_001127510.3, NM_001354895.2, NM_001407450.1); c.7884A>G, p.Gln2628= (NM_001127511.3); c.7992A>G, p.Gln2664= (NM_001354896.2, NM_001407447.1, NM_001407448.1 and 1 more transcripts); c.7968A>G, p.Gln2656= (NM_001354897.2); c.7863A>G, p.Gln2621= (NM_001354898.2); c.7854A>G, p.Gln2618= (NM_001354899.2); c.7815A>G, p.Gln2605= (NM_001354900.2); and 12 more.
Identifiers: ClinVar variation 2882441 (VCV002882441.6), dbSNP rs1580688401, ClinGen allele CA446210967.

ClinVar aggregate classification (germline): Benign/Likely benign. Review status: criteria provided, multiple submitters, no conflicts (2 of 4 stars). 4 submissions from 4 submitters: Benign (1); Likely benign (3). Last evaluated 2026-01-04.

Conditions:
Hereditary cancer-predisposing syndrome. Also called: Tumor predisposition; Neoplastic Syndromes, Hereditary; Hereditary Cancer Syndrome; Hereditary neoplastic syndrome. Identifiers: Orphanet 140162, MedGen C0027672, MeSH D009386, MONDO:0015356.
Familial adenomatous polyposis 1 (FAP1). Also called: FAMILIAL ADENOMATOUS POLYPOSIS 1, ATTENUATED; POLYPOSIS, ADENOMATOUS INTESTINAL. Identifiers: MedGen C2713442, MONDO:0021056, OMIM 175100. Disease mechanism: loss of function.

gnomAD v4.1: 1 of 1,613,658 alleles (0.000062%); highest among the groups gnomAD compares: Non-Finnish European, 0.000085%; no homozygotes.

Submissions (4):

Ambry Genetics
Classification: Likely benign for Hereditary cancer-predisposing syndrome. Last evaluated: 2026-01-04. Review status: criteria provided, single submitter. Criteria: Ambry Variant Classification Scheme 2023. Collection method: clinical testing. Allele origin: germline.

Institute for Biomarker Research, Medical Diagnostic Laboratories, L.L.C.
Classification: Likely benign for Hereditary cancer-predisposing syndrome. Last evaluated: 2025-04-30. Review status: criteria provided, single submitter. Criteria: ACMG Guidelines, 2015. Collection method: clinical testing. Allele origin: germline.
Comment: The synonymous variant NM_000038.6(APC):c.7938A>G (p.Gln2646=) has been reported to ClinVar as Benign/Likely benign with a status of (2 stars) criteria provided, multiple submitters, no conflicts (Variation ID 2882441 as of 2025-04-03). The p.Gln2646= variant is not predicted to disrupt an existing splice site. The p.Gln2646= variant results in a substitution of a base that is not predicted conserved by GERP++ and PhyloP. For these reasons, this variant has been classified as Likely Benign

Labcorp Genetics (formerly Invitae), Labcorp
Classification: Likely benign for Familial adenomatous polyposis 1. Last evaluated: 2024-08-07. Review status: criteria provided, single submitter. Criteria: Invitae Variant Classification Sherloc (09022015). Collection method: clinical testing. Allele origin: germline.

Myriad Genetics, Inc.
Classification: Benign for Familial adenomatous polyposis 1. Last evaluated: 2024-04-11. Review status: criteria provided, single submitter. Criteria: Myriad Autosomal Dominant, Autosomal Recessive and X-Linked Classification Criteria (2023). Collection method: clinical testing. Allele origin: unknown.
Comment: This variant is considered benign. This variant is a silent/synonymous amino acid change and it is not expected to impact splicing.